The following is an entry in ClinVar:

NM_003872.3(NRP2):c.2425+9673G>A

Gene: NRP2 (neuropilin 2; plus strand). Cytogenetic location: 2q33.3.
Variant type: single nucleotide variant.
Coding change: c.2425+9673G>A on transcript NM_003872.3 (MANE Select); 9673 bases into the intron after coding-DNA position 2425, G replaced by A.
Molecular consequence: intron variant. On other transcripts: missense variant (2).
Genome position (GRCh38, 1-based): chr2:205,776,476, G>A. VCF-style: chr2-205776476-G-A. GRCh37 (hg19) VCF-style: chr2-206641200-G-A.
Other names: c.2671G>A, p.Glu891Lys (NM_018534.4); c.2656G>A, p.Glu886Lys (NM_201267.2); c.2440+9658G>A (NM_201266.2); c.2425+9673G>A (NM_201279.2); short protein forms E886K, E891K.
Identifiers: ClinVar variation 4979860 (VCV004979860.1).

ClinVar aggregate classification (germline): Uncertain significance (1 of 4 stars; one submission).

Conditions:
NRP2-related disorder. Also called: NRP2-related condition.

gnomAD v4.1: 5 of 1,611,328 alleles (0.00031%); highest among the groups gnomAD compares: Admixed American, 0.0067%; no homozygotes.

Submission:

PreventionGenetics, part of Exact Sciences
Classification: Uncertain significance for NRP2-related condition. Last evaluated: 2024-12-18. Review status: criteria provided, single submitter. Criteria: ACMG Guidelines, 2015. Collection method: clinical testing. Allele origin: germline.
Comment: The NRP2 c.2656G>A variant is predicted to result in the amino acid substitution p.Glu886Lys. To our knowledge, this variant has not been reported in the literature. This variant is reported in 0.0029% of alleles in individuals of Latino descent in gnomAD. At this time, the clinical significance of this variant is uncertain due to the absence of conclusive functional and genetic evidence.